The following is an entry in ClinVar:

NM_005051.3(QARS1):c.1614+3A>G

Gene: QARS1 (glutaminyl-tRNA synthetase 1; minus strand). Cytogenetic location: 3p21.31.
Variant type: single nucleotide variant.
Coding change: c.1614+3A>G on transcript NM_005051.3 (MANE Select); 3 bases into the intron after coding-DNA position 1614, A replaced by G.
Molecular consequence: intron variant.
Genome position (GRCh38, 1-based): chr3:49,099,341, T>C on the plus strand (A>G on the coding strand, the complement: QARS1 is on the minus strand). VCF-style: chr3-49099341-T-C. GRCh37 (hg19) VCF-style: chr3-49136774-T-C.
Other names: c.1581+3A>G (NM_001272073.2).
Identifiers: ClinVar variation 937267 (VCV000937267.7), dbSNP rs1485211824, ClinGen allele CA543047791.
Genomic context (GRCh38, chr3:49,099,341, plus strand): 5'-AGCTACAATCACAAACTGCCACACTCAACCCCCAATGTATCTACCCAACCTGCTGGGCTA[T>C]ACCCGGGCACAGAAGTTGTTGATGGCCTCAGGTGGGAAGCCCCGCCGTCGCAGGGCCGTG-3'

ClinVar aggregate classification (germline): Uncertain significance. Review status: criteria provided, multiple submitters, no conflicts (2 of 4 stars). 2 submissions from 2 submitters: Uncertain significance (2). Last evaluated 2020-07-01.

Conditions:
Diffuse cerebral and cerebellar atrophy - intractable seizures - progressive microcephaly syndrome. Also called: Microcephaly, progressive, with seizures and cerebral and cerebellar atrophy. Identifiers: Orphanet 404437, MedGen C4014239, MONDO:0014335, OMIM 615760.

Allele frequency attached by ClinVar (database versions not stated): gnomAD exomes below 0.00001 and 0.00002; TOPMed below 0.00001.
gnomAD v4.1: 4 of 1,614,168 alleles (0.00025%); highest among the groups gnomAD compares: Admixed American, 0.005%; no homozygotes.

Submissions (2):

GeneDx
Classification: Uncertain significance. Last evaluated: 2020-07-01. Review status: criteria provided, single submitter. Criteria: GeneDx Variant Classification Process June 2021. Collection method: clinical testing. Allele origin: germline. Affected: yes.
Comment: Not observed at a significant frequency in large population cohorts (Lek et al., 2016); In silico analysis supports a deleterious effect on splicing; Has not been previously published as pathogenic or benign to our knowledge

Labcorp Genetics (formerly Invitae), Labcorp
Classification: Uncertain significance for Diffuse cerebral and cerebellar atrophy - intractable seizures - progressive microcephaly syndrome. Last evaluated: 2019-09-20. Review status: criteria provided, single submitter. Criteria: Invitae Variant Classification Sherloc (09022015). Collection method: clinical testing. Allele origin: germline.
Comment: In summary, the available evidence is currently insufficient to determine the role of this variant in disease. Therefore, it has been classified as a Variant of Uncertain Significance. Nucleotide substitutions within the consensus splice site are a relatively common cause of aberrant splicing (PMID: 17576681, 9536098). Algorithms developed to predict the effect of sequence changes on RNA splicing suggest that this variant may disrupt the consensus splice site, but this prediction has not been confirmed by published transcriptional studies. This variant has not been reported in the literature in individuals with QARS-related conditions. This variant is not present in population databases (ExAC no frequency). This sequence change falls in intron 17 of the QARS gene. It does not directly change the encoded amino acid sequence of the QARS protein, but it affects a nucleotide within the consensus splice site of the intron.

Literature cited by the submitters: PubMed 17576681 (cited by Labcorp Genetics (formerly Invitae), Labcorp); PubMed 9536098 (cited by Labcorp Genetics (formerly Invitae), Labcorp).